The following is an entry in ClinVar:

ClinVar aggregate classification (germline): Uncertain significance (1 of 4 stars; one submission).

Conditions:
Developmental and epileptic encephalopathy, 45 (DEE45). Also called: Epileptic encephalopathy, early infantile, 45. Identifiers: MedGen C4310691, MONDO:0014942, OMIM 617153.

Submission:

Baylor Genetics
Classification: Uncertain significance for Developmental and epileptic encephalopathy, 45. Last evaluated: 2018-07-31. Review status: criteria provided, single submitter. Criteria: ACMG Guidelines, 2015. Collection method: clinical testing. Allele origin: de novo. Affected: yes.
Comment: This variant was determined to be of uncertain significance according to ACMG Guidelines, 2015 [PMID:25741868].

NM_000812.4(GABRB1):c.629A>G (p.Gln210Arg)

Gene: GABRB1 (gamma-aminobutyric acid type A receptor subunit beta1; plus strand). Cytogenetic location: 4p12.
Variant type: single nucleotide variant.
Coding change: c.629A>G on transcript NM_000812.4 (MANE Select); coding-DNA position 629, A replaced by G.
Protein change: p.Gln210Arg; replaces glutamine 210 with arginine.
Molecular consequence: missense variant.
Genome position (GRCh38, 1-based): chr4:47,403,402, A>G. VCF-style: chr4-47403402-A-G. GRCh37 (hg19) VCF-style: chr4-47405419-A-G.
Other names: short protein forms Q210R.
Identifiers: ClinVar variation 1034301 (VCV001034301.1), dbSNP rs1728466964, ClinGen allele CA356810348.